The following is an entry in ClinVar:

NM_000059.4(BRCA2):c.5682C>T (p.Tyr1894=)

Gene: BRCA2 (BRCA2 DNA repair associated; plus strand). Cytogenetic location: 13q13.1.
Variant type: single nucleotide variant.
Coding change: c.5682C>T on transcript NM_000059.4 (MANE Select); coding-DNA position 5682, C replaced by T.
Protein change: p.Tyr1894=; no amino-acid change (tyrosine 1894 retained).
Molecular consequence: synonymous variant.
Genome position (GRCh38, 1-based): chr13:32,340,037, C>T. VCF-style: chr13-32340037-C-T. GRCh37 (hg19) VCF-style: chr13-32914174-C-T.
Identifiers: ClinVar variation 135806 (VCV000135806.37), dbSNP rs41293497, ClinGen allele CA022966.

ClinVar aggregate classification (germline): Likely benign. Review status: reviewed by expert panel (3 of 4 stars). 14 submissions from 14 submitters: Likely benign (1). 13 of the submissions do not count toward it. Last evaluated 2017-06-29.

Conditions:
BRCA2-related cancer predisposition. Identifiers: MedGen CN377758, MONDO:0700269.
Hereditary cancer-predisposing syndrome. Also called: Tumor predisposition; Hereditary neoplastic syndrome; Neoplastic Syndromes, Hereditary; Hereditary Cancer Syndrome. Identifiers: Orphanet 140162, MedGen C0027672, MeSH D009386, MONDO:0015356.
Hereditary breast ovarian cancer syndrome. Also called: Hereditary breast and/or ovarian cancer syndrome; Hereditary breast and ovarian cancer syndrome; Hereditary breast and ovarian cancer syndrome (HBOC); Hereditary breast and ovarian cancer; Breast and ovarian cancer; BRCA1- and BRCA2-Associated Hereditary Breast and Ovarian Cancer. Identifiers: Orphanet 145, MedGen C0677776, MeSH D061325, MONDO:0003582. Disease mechanism: loss of function.
Breast-ovarian cancer, familial, susceptibility to, 2 (BROVCA2). Also called: BRCA2 Hereditary Breast and Ovarian Cancer. Identifiers: Orphanet 145, MedGen C2675520, MONDO:0012933, OMIM 612555. Disease mechanism: loss of function.

Allele frequency attached by ClinVar (database versions not stated): TOPMed 0.00001; ExAC 0.00002.
gnomAD v4.1: 13 of 1,613,256 alleles (0.00081%); highest among the groups gnomAD compares: South Asian, 0.0066%; no homozygotes.

Submissions (14):

Evidence-based Network for the Interpretation of Germline Mutant Alleles (ENIGMA)
Classification: Likely benign for Breast-ovarian cancer, familial, susceptibility to, 2. Last evaluated: 2017-06-29. Review status: reviewed by expert panel. Criteria: ENIGMA BRCA1/2 Classification Criteria (2017-06-29). Collection method: curation. Allele origin: germline.
Comment: Synonymous substitution variant, with low bioinformatic likelihood to result in a splicing aberration (Splicing prior probability 0.02).

Labcorp Genetics (formerly Invitae), Labcorp
Classification: Likely benign for Hereditary breast ovarian cancer syndrome. Last evaluated: 2026-01-13. Review status: criteria provided, single submitter. Criteria: Invitae Variant Classification Sherloc (09022015). Collection method: clinical testing. Allele origin: germline. Not counted in ClinVar's aggregate classification.

Quest Diagnostics Nichols Institute San Juan Capistrano
Classification: Likely benign. Last evaluated: 2025-10-22. Review status: criteria provided, single submitter. Criteria: Quest Diagnostics criteria. Collection method: clinical testing. Allele origin: unknown. Not counted in ClinVar's aggregate classification.

Center for Genomic Medicine, Rigshospitalet, Copenhagen University Hospital
Classification: Likely benign. Last evaluated: 2025-03-04. Review status: criteria provided, single submitter. Criteria: ACMG Guidelines, 2015. Collection method: clinical testing. Allele origin: germline. Not counted in ClinVar's aggregate classification.

All of Us Research Program, National Institutes of Health
Classification: Likely benign for BRCA2-related cancer predisposition. Last evaluated: 2024-04-25. Review status: criteria provided, single submitter. Criteria: ACMG Guidelines, 2015. Collection method: clinical testing. Allele origin: germline. Inheritance: Autosomal dominant inheritance. Observed: 2 variant alleles, 2 heterozygotes. Not counted in ClinVar's aggregate classification.
Comment: This study involves interpretation of variants in research participants for the purpose of population health screening. Participant phenotype was not available at the time of variant classification. Additional details can be found in publication PMID: 35346344, PMCID: PMC8962531

Blueprint Genetics
Classification: Likely benign. Last evaluated: 2023-07-14. Review status: criteria provided, single submitter. Criteria: ACMG Guidelines, 2015. Collection method: clinical testing. Allele origin: germline. Not counted in ClinVar's aggregate classification.

Sema4
Classification: Likely benign for Hereditary cancer-predisposing syndrome. Last evaluated: 2022-01-01. Review status: criteria provided, single submitter. Criteria: Sema4 Curation Guidelines. Collection method: curation. Allele origin: germline. Not counted in ClinVar's aggregate classification.

Women's Health and Genetics/Laboratory Corporation of America, LabCorp
Classification: Likely benign. Last evaluated: 2019-08-10. Review status: criteria provided, single submitter. Criteria: LabCorp Variant Classification Summary - May 2015. Collection method: clinical testing. Allele origin: germline. Not counted in ClinVar's aggregate classification.

GeneDx
Classification: Likely benign. Last evaluated: 2019-07-05. Review status: criteria provided, single submitter. Criteria: GeneDx Variant Classification Process June 2021. Collection method: clinical testing. Allele origin: germline. Affected: yes. Not counted in ClinVar's aggregate classification.

Laboratory for Molecular Medicine, Mass General Brigham Personalized Medicine
Classification: Likely benign. Last evaluated: 2019-04-19. Review status: criteria provided, single submitter. Criteria: ACMG Guidelines, 2015. Collection method: clinical testing. Allele origin: germline. Not counted in ClinVar's aggregate classification.
Comment: The p.Tyr1894Tyr variant in BRCA2 is classified as likely benign/benign because it does not alter an amino acid residue, is not located within the splice consensus site, and computational splice prediction tools do not predict an impact on splicing. It has been identified in 2/30522 of South Asian chromosomes by gnomAD. This variant was classified as Likely Benign on June 29, 2017 by the ClinGen-approved ENIGMA expert panel (Variation ID 135806). ACMG/AMP Criteria applied: BP4, BP7.

Color Diagnostics, LLC DBA Color Health
Classification: Likely benign for Hereditary cancer-predisposing syndrome. Last evaluated: 2015-08-17. Review status: criteria provided, single submitter. Criteria: ACMG Guidelines, 2015. Collection method: clinical testing. Allele origin: germline. Not counted in ClinVar's aggregate classification.

Ambry Genetics
Classification: Likely benign for Hereditary cancer-predisposing syndrome. Last evaluated: 2014-06-20. Review status: criteria provided, single submitter. Criteria: Ambry Variant Classification Scheme 2023. Collection method: clinical testing. Allele origin: germline. Not counted in ClinVar's aggregate classification.

Diagnostic Laboratory, Department of Genetics, University Medical Center Groningen
Classification: Likely benign. Review status: no assertion criteria provided. Collection method: clinical testing. Allele origin: germline. Affected: yes. Study: VKGL Data-share Consensus. Not counted in ClinVar's aggregate classification.

Joint Genome Diagnostic Labs from Nijmegen and Maastricht, Radboudumc and MUMC+
Classification: Likely benign. Review status: no assertion criteria provided. Collection method: clinical testing. Allele origin: germline. Affected: yes. Study: VKGL Data-share Consensus. Not counted in ClinVar's aggregate classification.